The following is an entry in ClinVar:

NM_016604.4(KDM3B):c.264C>T (p.Ile88=)

Gene: KDM3B (lysine demethylase 3B; plus strand). Cytogenetic location: 5q31.2.
Variant type: single nucleotide variant.
Coding change: c.264C>T on transcript NM_016604.4 (MANE Select); coding-DNA position 264, C replaced by T.
Protein change: p.Ile88=; no amino-acid change (isoleucine 88 retained).
Molecular consequence: synonymous variant.
Genome position (GRCh38, 1-based): chr5:138,372,745, C>T. VCF-style: chr5-138372745-C-T. GRCh37 (hg19) VCF-style: chr5-137708434-C-T.
Identifiers: ClinVar variation 1227741 (VCV001227741.7), dbSNP rs4835678, ClinGen allele CA3428644.

ClinVar aggregate classification (germline): Benign. Review status: criteria provided, multiple submitters, no conflicts (2 of 4 stars). 3 submissions from 3 submitters: Benign (2). 1 of the submissions does not count toward it. Last evaluated 2021-08-19.

Conditions:
Diets-Jongmans syndrome. Also called: INTELLECTUAL DEVELOPMENTAL DISORDER WITH DISTINCTIVE FACIAL DYSMORPHISM. Identifiers: MedGen C5394263, MONDO:0030012, OMIM 618846.
KDM3B-related disorder. Also called: KDM3B-related condition.

Allele frequency attached by ClinVar (database versions not stated): ESP Exome Variant Server 0.58042; gnomAD 0.58840 and 0.59682; gnomAD exomes 0.60173 and 0.63853; TOPMed 0.60521; ExAC 0.63763; 1000 Genomes Project 30x 0.66630; 1000 Genomes Project 0.67492.

Submissions (3):

Genome-Nilou Lab
Classification: Benign for Diets-Jongmans syndrome. Last evaluated: 2021-08-19. Review status: criteria provided, single submitter. Criteria: ACMG Guidelines, 2015. Collection method: clinical testing. Allele origin: germline. Affected: no.

GeneDx
Classification: Benign. Last evaluated: 2019-10-07. Review status: criteria provided, single submitter. Criteria: GeneDx Variant Classification Process June 2021. Collection method: clinical testing. Allele origin: germline. Affected: yes.

PreventionGenetics, part of Exact Sciences
Classification: Benign for KDM3B-related condition. Last evaluated: 2019-10-29. Review status: no assertion criteria provided. Collection method: clinical testing. Allele origin: germline. Not counted in ClinVar's aggregate classification.
Comment: This variant is classified as benign based on ACMG/AMP sequence variant interpretation guidelines (Richards et al. 2015 PMID: 25741868, with internal and published modifications).